The following is an entry in ClinVar:

ClinVar aggregate classification (germline): Benign. Review status: criteria provided, multiple submitters, no conflicts (2 of 4 stars). 2 submissions from 2 submitters: Benign (2). Last evaluated 2018-03-14.

Conditions:
Episodic ataxia type 1 (EA1). Also called: Episodic ataxia/myokymia syndrome; ATAXIA, EPISODIC, WITH MYOKYMIA; MYOKYMIA WITH PERIODIC ATAXIA; PAROXYSMAL ATAXIA WITH NEUROMYOTONIA, HEREDITARY. Identifiers: Orphanet 37612, Orphanet 972, MedGen C1719788, MONDO:0008047, OMIM 160120.

Allele frequency attached by ClinVar (database versions not stated): 1000 Genomes Project 0.00100; gnomAD 0.00105 and 0.00118; TOPMed 0.00155; 1000 Genomes Project 30x 0.00156.

Submissions (2):

Illumina Laboratory Services, Illumina
Classification: Benign for Episodic ataxia type 1. Last evaluated: 2018-03-14. Review status: criteria provided, single submitter. Criteria: ICSL Variant Classification Criteria 13 December 2019. Collection method: clinical testing. Allele origin: germline.
Comment: This variant was observed in the ICSL laboratory as part of a predisposition screen in an ostensibly healthy population. It had not been previously curated by ICSL or reported in the Human Gene Mutation Database (HGMD: prior to June 1st, 2018), and was therefore a candidate for classification through an automated scoring system. Utilizing variant allele frequency, disease prevalence and penetrance estimates, and inheritance mode, an automated score was calculated to assess if this variant is too frequent to cause the disease. Based on the score and internal cut-off values, a variant classified as benign is not then subjected to further curation. The score for this variant resulted in a classification of benign for this disease.

Breakthrough Genomics
Classification: Benign. Review status: criteria provided, single submitter. Criteria: ACMG Guidelines, 2015. Collection method: not provided. Allele origin: germline. Inheritance: Autosomal dominant inheritance. Affected: yes.

NM_000217.3(KCNA1):c.-638C>T

Gene: KCNA1 (potassium voltage-gated channel subfamily A member 1; plus strand). Cytogenetic location: 12p13.32.
Variant type: single nucleotide variant.
Coding change: c.-638C>T on transcript NM_000217.3 (MANE Select); 638 bases upstream of the start codon, C replaced by T.
Molecular consequence: 5 prime UTR variant.
Genome position (GRCh38, 1-based): chr12:4,910,374, C>T. VCF-style: chr12-4910374-C-T. GRCh37 (hg19) VCF-style: chr12-5019540-C-T.
Identifiers: ClinVar variation 880636 (VCV000880636.5), dbSNP rs574980784, ClinGen allele CA231854489.
Genomic context (GRCh38, chr12:4,910,374, plus strand): 5'-GACGAGTGGACCAGGGCGGCGAGTTTGCCCGGCGCGTCTCGGATGCTGCTGCGGCGGCCG[C>T]CGCGGCTCCCGCCAGGGCACTGCAAAGACGACCTGCCGCATTCCCACTCGGGCTCTCCGC-3'